The following is an entry in ClinVar:

NM_017780.4(CHD7):c.2654A>G (p.Asp885Gly)

Gene: CHD7 (chromodomain helicase DNA binding protein 7; plus strand). Cytogenetic location: 8q12.2.
Variant type: single nucleotide variant.
Coding change: c.2654A>G on transcript NM_017780.4 (MANE Select); coding-DNA position 2654, A replaced by G.
Protein change: p.Asp885Gly; replaces aspartic acid 885 with glycine.
Molecular consequence: missense variant. On other transcripts: intron variant (1).
Genome position (GRCh38, 1-based): chr8:60,820,047, A>G. VCF-style: chr8-60820047-A-G. GRCh37 (hg19) VCF-style: chr8-61732606-A-G.
Other names: c.1716+38997A>G (NM_001316690.1); short protein forms D885G.
Identifiers: ClinVar variation 3719725 (VCV003719725.2).

ClinVar aggregate classification (germline): Uncertain significance (1 of 4 stars; one submission).

Conditions:
CHARGE syndrome (CHARGE). Also called: Hittner Hirsch Kreh syndrome; CHARGE ASSOCIATION--COLOBOMA, HEART ANOMALY, CHOANAL ATRESIA, RETARDATION, GENITAL AND EAR ANOMALIES; Coloboma, heart anomaly, choanal atresia, retardation, genital and ear anomalies; CHARGE association; Hall-Hittner syndrome. Identifiers: Orphanet 138, MedGen C0265354, MONDO:0008965.

Submission:

Labcorp Genetics (formerly Invitae), Labcorp
Classification: Uncertain significance for CHARGE syndrome. Last evaluated: 2024-12-05. Review status: criteria provided, single submitter. Criteria: Invitae Variant Classification Sherloc (09022015). Collection method: clinical testing. Allele origin: germline.
Comment: This sequence change replaces aspartic acid, which is acidic and polar, with glycine, which is neutral and non-polar, at codon 885 of the CHD7 protein (p.Asp885Gly). This variant is not present in population databases (gnomAD no frequency). This variant has not been reported in the literature in individuals affected with CHD7-related conditions. Invitae Evidence Modeling of protein sequence and biophysical properties (such as structural, functional, and spatial information, amino acid conservation, physicochemical variation, residue mobility, and thermodynamic stability) indicates that this missense variant is expected to disrupt CHD7 protein function with a positive predictive value of 95%. In summary, the available evidence is currently insufficient to determine the role of this variant in disease. Therefore, it has been classified as a Variant of Uncertain Significance.